The following is an entry in ClinVar:

NM_001276345.2(TNNT2):c.236C>T (p.Ser79Leu)

Gene: TNNT2 (troponin T2, cardiac type; minus strand). Cytogenetic location: 1q32.1.
Variant type: single nucleotide variant.
Coding change: c.236C>T on transcript NM_001276345.2 (MANE Select); coding-DNA position 236, C replaced by T.
Protein change: p.Ser79Leu; replaces serine 79 with leucine.
Molecular consequence: missense variant.
Genome position (GRCh38, 1-based): chr1:201,365,668, G>A on the plus strand (C>T on the coding strand, the complement: TNNT2 is on the minus strand). VCF-style: chr1-201365668-G-A. GRCh37 (hg19) VCF-style: chr1-201334796-G-A.
Other names: c.236C>T, p.Ser79Leu (NM_000364.4); c.206C>T, p.Ser69Leu (NM_001001430.3, NM_001001431.3, NM_001276347.2); c.191C>T, p.Ser64Leu (NM_001001432.3); c.233C>T, p.Ser78Leu (NM_001276346.2); short protein forms S79L, S69L, S64L, S78L.
Identifiers: ClinVar variation 807899 (VCV000807899.49), dbSNP rs761953142, ClinGen allele CA088538.
Genomic context (GRCh38, chr1:201,365,668, plus strand): 5'-ACATCAAAGTCCACTCTCTCTCCATCGGGGATCTTGGGAGGCACCAAGTTGGGCATGAAC[G>A]ACCTGTTGGAGAGAGGAATAGTCAGCATCAGCCCCATTCTGGACCCAGGGACTGAGGGTG-3'
Protein context (NP_001263274.1, residues 69-89): PMEESKPKPR[Ser79Leu]FMPNLVPPKI

ClinVar aggregate classification (germline): Conflicting classifications of pathogenicity. Review status: criteria provided, conflicting classifications (1 of 4 stars). 4 submissions from 4 submitters: Uncertain significance (3); Likely benign (1). Last evaluated 2025-05-13.

Conditions:
Cardiomyopathy (CMYO). Also called: Cardiomyopathies. Identifiers: Orphanet 167848, MedGen C0878544, MONDO:0004994, HP:0001638. Inheritance: Various modes of inheritance.
Hypertrophic cardiomyopathy 2. Also called: TNNT2-Related Familial Hypertrophic Cardiomyopathy. Identifiers: MedGen C1861864, MONDO:0007266, OMIM 115195.
Dilated cardiomyopathy 1D. Identifiers: Orphanet 154, Orphanet 54260, MedGen C1832243, MONDO:0011095, OMIM 601494.
Cardiomyopathy, familial restrictive, 3. Identifiers: Orphanet 75249, MedGen C2676271, MONDO:0012900, OMIM 612422.

Allele frequency attached by ClinVar (database versions not stated): gnomAD exomes below 0.00001; ExAC 0.00001; TOPMed 0.00001.
gnomAD v4.1: 6 of 1,613,790 alleles (0.00037%); highest among the groups gnomAD compares: East Asian, 0.0022%; no homozygotes.

Submissions (4):

Labcorp Genetics (formerly Invitae), Labcorp
Classification: Uncertain significance for Cardiomyopathy, familial restrictive, 3; Hypertrophic cardiomyopathy 2; Dilated cardiomyopathy 1D. Last evaluated: 2025-05-13. Review status: criteria provided, single submitter. Criteria: Invitae Variant Classification Sherloc (09022015). Collection method: clinical testing. Allele origin: germline.
Comment: This sequence change replaces serine, which is neutral and polar, with leucine, which is neutral and non-polar, at codon 69 of the TNNT2 protein (p.Ser69Leu). This variant is present in population databases (rs761953142, gnomAD 0.003%). This variant has not been reported in the literature in individuals affected with TNNT2-related conditions. ClinVar contains an entry for this variant (Variation ID: 807899). An algorithm developed to predict the effect of missense changes on protein structure and function outputs the following: PolyPhen-2: "Benign". The leucine amino acid residue is found in multiple mammalian species, which suggests that this missense change does not adversely affect protein function. In summary, the available evidence is currently insufficient to determine the role of this variant in disease. Therefore, it has been classified as a Variant of Uncertain Significance.

Color Diagnostics, LLC DBA Color Health
Classification: Uncertain significance for Cardiomyopathy. Last evaluated: 2024-09-12. Review status: criteria provided, single submitter. Criteria: ACMG Guidelines, 2015. Collection method: clinical testing. Allele origin: germline.
Comment: This missense variant replaces serine with leucine at codon 69 of the TNNT2 protein. Computational prediction suggests that this variant may not impact protein structure and function. To our knowledge, functional studies have not been reported for this variant. This variant has not been reported in individuals affected with TNNT2-related disorders in the literature. This variant has been identified in 1/250642 chromosomes in the general population by the Genome Aggregation Database (gnomAD). The available evidence is insufficient to determine the role of this variant in disease conclusively. Therefore, this variant is classified as a Variant of Uncertain Significance.

All of Us Research Program, National Institutes of Health
Classification: Likely benign for Cardiomyopathy. Last evaluated: 2023-11-30. Review status: criteria provided, single submitter. Criteria: ACMG Guidelines, 2015. Collection method: clinical testing. Allele origin: germline. Inheritance: Autosomal dominant inheritance. Observed: 1 variant allele, 1 heterozygote.
Comment: This study involves interpretation of variants in research participants for the purpose of population health screening. Participant phenotype was not available at the time of variant classification. Additional details can be found in publication PMID: 35346344, PMCID: PMC8962531

CeGaT Center for Human Genetics Tuebingen
Classification: Uncertain significance. Last evaluated: 2019-06-01. Review status: criteria provided, single submitter. Criteria: CeGaT Center For Human Genetics Tuebingen Variant Classification Criteria Version 2. Collection method: clinical testing. Allele origin: germline. Affected: yes. Observed: 1 variant allele.